The following is an entry in ClinVar:

NM_201384.3(PLEC):c.4998G>A (p.Lys1666=)

Gene: PLEC (plectin; minus strand). Cytogenetic location: 8q24.3.
Variant type: single nucleotide variant.
Coding change: c.4998G>A on transcript NM_201384.3 (MANE Select); coding-DNA position 4998, G replaced by A.
Protein change: p.Lys1666=; no amino-acid change (lysine 1666 retained).
Molecular consequence: synonymous variant.
Genome position (GRCh38, 1-based): chr8:143,924,931, C>T on the plus strand (G>A on the coding strand, the complement: PLEC is on the minus strand). VCF-style: chr8-143924931-C-T. GRCh37 (hg19) VCF-style: chr8-144999099-C-T.
Other names: c.5079G>A, p.Lys1693= (NM_000445.5); c.4956G>A, p.Lys1652= (NM_201378.4); c.4932G>A, p.Lys1644= (NM_201379.3); c.5409G>A, p.Lys1803= (NM_201380.4); c.4902G>A, p.Lys1634= (NM_201381.3); c.4998G>A, p.Lys1666= (NM_201382.4); c.5010G>A, p.Lys1670= (NM_201383.3).
Identifiers: ClinVar variation 702317 (VCV000702317.15), dbSNP rs763651946, ClinGen allele CA4926472.

ClinVar aggregate classification (germline): Conflicting classifications of pathogenicity. Review status: criteria provided, conflicting classifications (1 of 4 stars). 4 submissions from 4 submitters: Uncertain significance (1); Likely benign (2). 1 of the submissions does not count toward it. Last evaluated 2026-06-01.

Conditions:
PLEC-related disorder. Also called: PLEC-related condition; PLEC-related disorders.
Epidermolysis bullosa simplex, Ogna type (EBS5A). Also called: Pidermolysis bullosa simplex 5A, Ogna type; EPIDERMOLYSIS BULLOSA SIMPLEX 5A, OGNA TYPE. Identifiers: Orphanet 79401, MedGen C0432317, MONDO:0007555, OMIM 131950.
Epidermolysis bullosa simplex 5B, with muscular dystrophy (EBS5B). Also called: Epidermolysis bullosa simplex with muscular dystrophy; EPIDERMOLYSIS BULLOSA SIMPLEX AND LIMB-GIRDLE MUSCULAR DYSTROPHY. Identifiers: Orphanet 257, MedGen C2931072, MONDO:0009181, OMIM 226670.
Epidermolysis bullosa simplex 5C, with pyloric atresia (EBS5C). Also called: PLEC-Related Epidermolysis Bullosa with Pyloric Atresia; Epidermolysis bullosa simplex with pyloric atresia; PLEC1-Related Epidermolysis Bullosa with Pyloric Atresia. Identifiers: Orphanet 158684, MedGen C2677349, MONDO:0012807, OMIM 612138.
Autosomal recessive limb-girdle muscular dystrophy type 2Q (LGMDR17). Also called: MUSCULAR DYSTROPHY, LIMB-GIRDLE, AUTOSOMAL RECESSIVE 17. Identifiers: Orphanet 254361, MedGen C3150989, MONDO:0013390, OMIM 613723.
Epidermolysis bullosa simplex with nail dystrophy (EBS5D). Identifiers: MedGen C4225309, MONDO:0014661, OMIM 616487.

Allele frequency attached by ClinVar (database versions not stated): ExAC below 0.00001; gnomAD exomes 0.00002 and 0.00006; TOPMed 0.00009; gnomAD 0.00010.
gnomAD v4.1: 95 of 1,584,722 alleles (0.006%); highest among the groups gnomAD compares: Non-Finnish European, 0.0075%; no homozygotes.

Submissions (4):

CeGaT Center for Human Genetics Tuebingen
Classification: Uncertain significance. Last evaluated: 2026-06-01. Review status: criteria provided, single submitter. Criteria: CeGaT Center For Human Genetics Tuebingen Variant Classification Criteria Version 2. Collection method: clinical testing. Allele origin: germline. Affected: yes. Observed: 2 variant alleles.
Comment: PLEC: PM2:Supporting, BP4

Labcorp Genetics (formerly Invitae), Labcorp
Classification: Likely benign for Autosomal recessive limb-girdle muscular dystrophy type 2Q; Epidermolysis bullosa simplex, Ogna type; Epidermolysis bullosa simplex with nail dystrophy; Epidermolysis bullosa simplex 5C, with pyloric atresia; Epidermolysis bullosa simplex 5B, with muscular dystrophy. Last evaluated: 2025-09-23. Review status: criteria provided, single submitter. Criteria: Invitae Variant Classification Sherloc (09022015). Collection method: clinical testing. Allele origin: germline.

Blueprint Genetics
Classification: Likely benign. Last evaluated: 2024-10-29. Review status: criteria provided, single submitter. Criteria: ACMG Guidelines, 2015. Collection method: clinical testing. Allele origin: germline.

PreventionGenetics, part of Exact Sciences
Classification: Likely benign for PLEC-related condition. Last evaluated: 2019-06-25. Review status: no assertion criteria provided. Collection method: clinical testing. Allele origin: germline. Not counted in ClinVar's aggregate classification.
Comment: This variant is classified as likely benign based on ACMG/AMP sequence variant interpretation guidelines (Richards et al. 2015 PMID: 25741868, with internal and published modifications).